The following is an entry in ClinVar:

ClinVar aggregate classification (germline): Uncertain significance (1 of 4 stars; one submission).

Conditions:
POLD1-related polyposis and colorectal cancer syndrome (CRCS10). Also called: Colorectal cancer 10; Colorectal cancer, susceptibility to, 10; COLORECTAL CANCER, SUSCEPTIBILITY TO, ON CHROMOSOME 19q. Identifiers: Orphanet 220460, MedGen C2675481, MONDO:0012953, OMIM 612591.

Submission:

Labcorp Genetics (formerly Invitae), Labcorp
Classification: Uncertain significance for POLD1-related polyposis and colorectal cancer syndrome. Last evaluated: 2023-10-05. Review status: criteria provided, single submitter. Criteria: Invitae Variant Classification Sherloc (09022015). Collection method: clinical testing. Allele origin: germline.
Comment: This sequence change replaces valine, which is neutral and non-polar, with leucine, which is neutral and non-polar, at codon 111 of the POLD1 protein (p.Val111Leu). This variant is not present in population databases (gnomAD no frequency). This variant has not been reported in the literature in individuals affected with POLD1-related conditions. Algorithms developed to predict the effect of missense changes on protein structure and function output the following: SIFT: "Not Available"; PolyPhen-2: "Benign"; Align-GVGD: "Not Available". The leucine amino acid residue is found in multiple mammalian species, which suggests that this missense change does not adversely affect protein function. In summary, the available evidence is currently insufficient to determine the role of this variant in disease. Therefore, it has been classified as a Variant of Uncertain Significance.

NM_002691.4(POLD1):c.331G>C (p.Val111Leu)

Gene: POLD1 (DNA polymerase delta 1, catalytic subunit; plus strand). Cytogenetic location: 19q13.33.
Variant type: single nucleotide variant.
Coding change: c.331G>C on transcript NM_002691.4 (MANE Select); coding-DNA position 331, G replaced by C.
Protein change: p.Val111Leu; replaces valine 111 with leucine.
Molecular consequence: missense variant. On other transcripts: non-coding transcript variant (1).
Genome position (GRCh38, 1-based): chr19:50,401,792, G>C. VCF-style: chr19-50401792-G-C. GRCh37 (hg19) VCF-style: chr19-50905049-G-C.
Other names: c.331G>C, p.Val111Leu (NM_001256849.1, NM_001308632.1); short protein forms V111L.
Identifiers: ClinVar variation 2765889 (VCV002765889.3), dbSNP rs2038642487, ClinGen allele CA406972106.
Genomic context (GRCh38, chr19:50,401,792, plus strand): 5'-AGGACCCTGAGAGGCATGGCCGCTGTCTTACCCTGTGACCCCACAGGCCCAGCGCAGCCT[G>C]TGCCTGGGGGGCCCCCACCATCCCGCGGCTCCGTGCCTGTGCTCCGCGCCTTCGGGGTCA-3'
Protein context (NP_002682.2, residues 101-121): IDHYVGPAQP[Val111Leu]PGGPPPSRGS